The following is an entry in ClinVar:

NM_001134407.3(GRIN2A):c.4247G>A (p.Ser1416Asn)

Gene: GRIN2A (glutamate ionotropic receptor NMDA type subunit 2A; minus strand). Cytogenetic location: 16p13.2.
Variant type: single nucleotide variant.
Coding change: c.4247G>A on transcript NM_001134407.3 (MANE Select); coding-DNA position 4247, G replaced by A.
Protein change: p.Ser1416Asn; replaces serine 1416 with asparagine.
Molecular consequence: missense variant. On other transcripts: 3 prime UTR variant (1).
Genome position (GRCh38, 1-based): chr16:9,763,297, C>T on the plus strand (G>A on the coding strand, the complement: GRIN2A is on the minus strand). VCF-style: chr16-9763297-C-T. GRCh37 (hg19) VCF-style: chr16-9857154-C-T.
Other names: c.4247G>A, p.Ser1416Asn (NM_000833.5); c.*58G>A (NM_001134408.2); short protein forms S1416N.
Identifiers: ClinVar variation 833943 (VCV000833943.11), dbSNP rs377712891, ClinGen allele CA7896189.

ClinVar aggregate classification (germline): Conflicting classifications of pathogenicity. Review status: criteria provided, conflicting classifications (1 of 4 stars). 2 submissions from 2 submitters: Uncertain significance (1); Likely benign (1). Last evaluated 2024-10-29.

Conditions:
Landau-Kleffner syndrome (FESD). Also called: APHASIA, ACQUIRED, WITH EPILEPSY; EPILEPSY, FOCAL, WITH SPEECH DISORDER AND WITH OR WITHOUT MENTAL RETARDATION. Identifiers: Orphanet 1945, Orphanet 725, Orphanet 98818, MedGen C0282512, MONDO:0009509, OMIM 245570.

Allele frequency attached by ClinVar (database versions not stated): gnomAD exomes below 0.00001; TOPMed 0.00001; ExAC 0.00001; ESP Exome Variant Server 0.00008.
gnomAD v4.1: 7 of 1,614,084 alleles (0.00043%); highest among the groups gnomAD compares: Non-Finnish European, 0.00051%; no homozygotes.

Submissions (2):

Women's Health and Genetics/Laboratory Corporation of America, LabCorp
Classification: Uncertain significance. Last evaluated: 2024-10-29. Review status: criteria provided, single submitter. Criteria: LabCorp Variant Classification Summary - May 2015. Collection method: clinical testing. Allele origin: germline.
Comment: Variant summary: GRIN2A c.4247G>A (p.Ser1416Asn) results in a conservative amino acid change located in the Glutamate [NMDA] receptor, epsilon subunit, C-terminal domain (IPR018884) of the encoded protein sequence. Three of five in-silico tools predict a benign effect of the variant on protein function. The variant allele was found at a frequency of 4e-06 in 251166 control chromosomes. The available data on variant occurrences in the general population are insufficient to allow any conclusion about variant significance. To our knowledge, no occurrence of c.4247G>A in individuals affected with Epilepsy, Focal, With Speech Disorder And With Or Without Mental Retardation and no experimental evidence demonstrating its impact on protein function have been reported. ClinVar contains an entry for this variant (Variation ID: 833943). Based on the evidence outlined above, the variant was classified as uncertain significance.

Labcorp Genetics (formerly Invitae), Labcorp
Classification: Likely benign for Landau-Kleffner syndrome. Last evaluated: 2024-10-15. Review status: criteria provided, single submitter. Criteria: Invitae Variant Classification Sherloc (09022015). Collection method: clinical testing. Allele origin: germline.